The following is an entry in ClinVar:

NM_004984.4(KIF5A):c.284C>G (p.Thr95Ser)

Gene: KIF5A (kinesin family member 5A; plus strand). Cytogenetic location: 12q13.3.
Variant type: single nucleotide variant.
Coding change: c.284C>G on transcript NM_004984.4 (MANE Select); coding-DNA position 284, C replaced by G.
Protein change: p.Thr95Ser; replaces threonine 95 with serine.
Molecular consequence: missense variant. On other transcripts: intron variant (1).
Genome position (GRCh38, 1-based): chr12:57,563,686, C>G. VCF-style: chr12-57563686-C-G. GRCh37 (hg19) VCF-style: chr12-57957469-C-G.
Other names: c.130-774C>G (NM_001354705.2); short protein forms T95S.
Identifiers: ClinVar variation 4803042 (VCV004803042.1).

ClinVar aggregate classification (germline): Uncertain significance (1 of 4 stars; one submission).

Conditions:
Spastic paraplegia. Identifiers: MedGen C0037772, HP:0001258.

Submission:

Labcorp Genetics (formerly Invitae), Labcorp
Classification: Uncertain significance for Spastic paraplegia. Last evaluated: 2025-06-29. Review status: criteria provided, single submitter. Criteria: Invitae Variant Classification Sherloc (09022015). Collection method: clinical testing. Allele origin: germline.
Comment: This sequence change replaces threonine, which is neutral and polar, with serine, which is neutral and polar, at codon 95 of the KIF5A protein (p.Thr95Ser). This variant is not present in population databases (gnomAD no frequency). This variant has not been reported in the literature in individuals affected with KIF5A-related conditions. Invitae Evidence Modeling of protein sequence and biophysical properties (such as structural, functional, and spatial information, amino acid conservation, physicochemical variation, residue mobility, and thermodynamic stability) has been performed for this missense variant. However, the output from this modeling did not meet the statistical confidence thresholds required to predict the impact of this variant on KIF5A protein function. In summary, the available evidence is currently insufficient to determine the role of this variant in disease. Therefore, it has been classified as a Variant of Uncertain Significance.